The following is an entry in ClinVar:

NM_001129.5(AEBP1):c.2709+18A>G

Gene: AEBP1 (AE binding protein 1; plus strand). Cytogenetic location: 7p13.
Variant type: single nucleotide variant.
Coding change: c.2709+18A>G on transcript NM_001129.5 (MANE Select); 18 bases into the intron after coding-DNA position 2709, A replaced by G.
Molecular consequence: intron variant.
Genome position (GRCh38, 1-based): chr7:44,113,148, A>G. VCF-style: chr7-44113148-A-G. GRCh37 (hg19) VCF-style: chr7-44152747-A-G.
Identifiers: ClinVar variation 1919753 (VCV001919753.7), dbSNP rs371285263, ClinGen allele CA4238284.

ClinVar aggregate classification (germline): Likely benign. Review status: criteria provided, multiple submitters, no conflicts (2 of 4 stars). 3 submissions from 3 submitters: Likely benign (3). Last evaluated 2026-02-02.

Allele frequency attached by ClinVar (database versions not stated): TOPMed 0.00002; ESP Exome Variant Server 0.00008.
gnomAD v4.1: 21 of 1,613,560 alleles (0.0013%); highest among the groups gnomAD compares: Admixed American, 0.0033%; no homozygotes.

Submissions (3):

Women's Health and Genetics/Laboratory Corporation of America, LabCorp
Classification: Likely benign. Last evaluated: 2026-02-02. Review status: criteria provided, single submitter. Criteria: LabCorp Variant Classification Summary - May 2015. Collection method: clinical testing. Allele origin: germline.
Comment: Variant summary: AEBP1 c.2709+18A>G alters a nucleotide located at a position not widely known to affect splicing. Consensus agreement among computation tools predict no significant impact on normal splicing. However, these predictions have yet to be confirmed by functional studies. The variant allele was found at a frequency of 1.2e-05 in 250854 control chromosomes. The available data on variant occurrences in the general population are insufficient to allow any conclusion about variant significance. To our knowledge, no occurrence of c.2709+18A>G in individuals affected with AEBP1-related conditions and no experimental evidence demonstrating its impact on protein function have been reported. ClinVar contains an entry for this variant (Variation ID: 1919753). Based on the evidence outlined above, the variant was classified as likely benign.

Labcorp Genetics (formerly Invitae), Labcorp
Classification: Likely benign. Last evaluated: 2026-01-26. Review status: criteria provided, single submitter. Criteria: Invitae Variant Classification Sherloc (09022015). Collection method: clinical testing. Allele origin: germline.

Blueprint Genetics
Classification: Likely benign. Last evaluated: 2024-05-10. Review status: criteria provided, single submitter. Criteria: ACMG Guidelines, 2015. Collection method: clinical testing. Allele origin: germline.